The following is an entry in ClinVar:

ClinVar aggregate classification (germline): Uncertain significance (1 of 4 stars; one submission).

Conditions:
Biotin-responsive basal ganglia disease (BTBGD). Also called: THIAMINE METABOLISM DYSFUNCTION SYNDROME 2 (BIOTIN- AND THIAMINE-RESPONSIVE TYPE); Thiamine metabolism dysfunction syndrome 2 (biotin- or thiamine-responsive encephalopathy type 2); thiamine-responsive encephalopathy; Thiamine metabolism dysfunction syndrome type 2; Thiamine Transporter-2 Deficiency. Identifiers: Orphanet 199348, Orphanet 65284, MedGen C1843807, MONDO:0011841, OMIM 607483.

Allele frequency attached by ClinVar (database versions not stated): TOPMed below 0.00001; gnomAD 0.00001; gnomAD exomes 0.00001.
gnomAD v4.1: 19 of 1,613,982 alleles (0.0012%); highest among the groups gnomAD compares: Non-Finnish European, 0.0014%; no homozygotes.

Submission:

Labcorp Genetics (formerly Invitae), Labcorp
Classification: Uncertain significance for Biotin-responsive basal ganglia disease. Last evaluated: 2022-06-20. Review status: criteria provided, single submitter. Criteria: Invitae Variant Classification Sherloc (09022015). Collection method: clinical testing. Allele origin: germline.
Comment: In summary, the available evidence is currently insufficient to determine the role of this variant in disease. Therefore, it has been classified as a Variant of Uncertain Significance. Algorithms developed to predict the effect of sequence changes on RNA splicing suggest that this variant may create or strengthen a splice site. Advanced modeling of protein sequence and biophysical properties (such as structural, functional, and spatial information, amino acid conservation, physicochemical variation, residue mobility, and thermodynamic stability) performed at Invitae indicates that this missense variant is expected to disrupt SLC19A3 protein function. This variant has not been reported in the literature in individuals affected with SLC19A3-related conditions. This variant is present in population databases (no rsID available, gnomAD 0.003%). This sequence change replaces aspartic acid, which is acidic and polar, with glycine, which is neutral and non-polar, at codon 427 of the SLC19A3 protein (p.Asp427Gly).

NM_025243.4(SLC19A3):c.1280A>G (p.Asp427Gly)

Gene: SLC19A3 (solute carrier family 19 member 3; minus strand). Cytogenetic location: 2q36.3.
Variant type: single nucleotide variant.
Coding change: c.1280A>G on transcript NM_025243.4 (MANE Select); coding-DNA position 1280, A replaced by G.
Protein change: p.Asp427Gly; replaces aspartic acid 427 with glycine.
Molecular consequence: missense variant.
Genome position (GRCh38, 1-based): chr2:227,688,200, T>C on the plus strand (A>G on the coding strand, the complement: SLC19A3 is on the minus strand). VCF-style: chr2-227688200-T-C. GRCh37 (hg19) VCF-style: chr2-228552916-T-C.
Other names: c.1280A>G, p.Asp427Gly (NM_001371411.1, NM_001371412.1); c.1268A>G, p.Asp423Gly (NM_001371413.1, NM_001371414.1); short protein forms D423G, D427G.
Identifiers: ClinVar variation 1399315 (VCV001399315.8), dbSNP rs1287180895, ClinGen allele CA350875399.